The following is an entry in ClinVar:

NM_014991.6(WDFY3):c.2343C>A (p.Asp781Glu)

Genes: WDFY3 (WD repeat and FYVE domain containing 3; minus strand), WDFY3-AS1 (WDFY3 antisense RNA 1; plus strand). Cytogenetic location: 4q21.23.
Variant type: single nucleotide variant.
Coding change: c.2343C>A on transcript NM_014991.6 (MANE Select); coding-DNA position 2343, C replaced by A.
Protein change: p.Asp781Glu; replaces aspartic acid 781 with glutamic acid.
Molecular consequence: missense variant.
Genome position (GRCh38, 1-based): chr4:84,809,889, G>T on the plus strand (C>A on the coding strand, the complement: WDFY3 is on the minus strand). VCF-style: chr4-84809889-G-T. GRCh37 (hg19) VCF-style: chr4-85731042-G-T.
Other names: short protein forms D781E.
Identifiers: ClinVar variation 3372386 (VCV003372386.2).

ClinVar aggregate classification (germline): Uncertain significance. Review status: criteria provided, multiple submitters, no conflicts (2 of 4 stars). 2 submissions from 2 submitters: Uncertain significance (2). Last evaluated 2024-10-14.

Conditions:
WDFY3-related disorder.

Submissions (2):

PreventionGenetics, part of Exact Sciences
Classification: Uncertain significance for WDFY3-related condition. Last evaluated: 2024-10-14. Review status: criteria provided, single submitter. Criteria: ACMG Guidelines, 2015. Collection method: clinical testing. Allele origin: germline.
Comment: The WDFY3 c.2343C>A variant is predicted to result in the amino acid substitution p.Asp781Glu. To our knowledge, this variant has not been reported in the literature or in a large population database (gnomAD), indicating this variant is rare. At this time, the clinical significance of this variant is uncertain due to the absence of conclusive functional and genetic evidence.

GeneDx
Classification: Uncertain significance. Last evaluated: 2024-04-19. Review status: criteria provided, single submitter. Criteria: GeneDx Variant Classification Process June 2021. Collection method: clinical testing. Allele origin: germline. Affected: yes.
Comment: Not observed at significant frequency in large population cohorts (gnomAD); In silico analysis indicates that this missense variant does not alter protein structure/function; Has not been previously published as pathogenic or benign to our knowledge